The following is an entry in ClinVar:

ClinVar aggregate classification (germline): Uncertain significance (1 of 4 stars; one submission).

gnomAD v4.1: 1 of 1,610,526 alleles (0.000062%); highest among the groups gnomAD compares: Non-Finnish European, 0.000085%; no homozygotes.

Submission:

GeneDx
Classification: Uncertain significance. Last evaluated: 2025-03-27. Review status: criteria provided, single submitter. Criteria: GeneDx Variant Classification Process June 2021. Collection method: clinical testing. Allele origin: germline. Affected: yes.
Comment: Not observed at significant frequency in large population cohorts (gnomAD); In silico analysis indicates that this missense variant does not alter protein structure/function; Has not been previously published as pathogenic or benign to our knowledge

NM_001348716.2(KDM6B):c.1988T>C (p.Leu663Pro)

Gene: KDM6B (lysine demethylase 6B; plus strand). Cytogenetic location: 17p13.1.
Variant type: single nucleotide variant.
Coding change: c.1988T>C on transcript NM_001348716.2 (MANE Select); coding-DNA position 1988, T replaced by C.
Protein change: p.Leu663Pro; replaces leucine 663 with proline.
Molecular consequence: missense variant.
Genome position (GRCh38, 1-based): chr17:7,848,276, T>C. VCF-style: chr17-7848276-T-C. GRCh37 (hg19) VCF-style: chr17-7751594-T-C.
Other names: c.1988T>C, p.Leu663Pro (NM_001080424.2); short protein forms L663P.
Identifiers: ClinVar variation 4088035 (VCV004088035.1).